The following is an entry in ClinVar:

NM_001376.5(DYNC1H1):c.7137G>A (p.Leu2379=)

Gene: DYNC1H1 (dynein cytoplasmic 1 heavy chain 1; plus strand). Cytogenetic location: 14q32.31.
Variant type: single nucleotide variant.
Coding change: c.7137G>A on transcript NM_001376.5 (MANE Select); coding-DNA position 7137, G replaced by A.
Protein change: p.Leu2379=; no amino-acid change (leucine 2379 retained).
Molecular consequence: synonymous variant.
Genome position (GRCh38, 1-based): chr14:102,015,227, G>A. VCF-style: chr14-102015227-G-A. GRCh37 (hg19) VCF-style: chr14-102481564-G-A.
Other names: p.Leu2379=.
Identifiers: ClinVar variation 128940 (VCV000128940.74), dbSNP rs17512439, ClinGen allele CA152650.
Genomic context (GRCh38, chr14:102,015,227, plus strand): 5'-CGGCATGGTCTGGTTCAGTGAGGATGTGCTGAGCACCGACATGATCTTCAACAACTTCCT[G>A]GCCAGGCTGCGCAGCATCCCGCTGGATGAAGGGGAGGATGAGGCACAGCGGCGGCGTAAG-3'
Protein context (NP_001367.2, residues 2369-2389): LSTDMIFNNF[Leu2379=]ARLRSIPLDE

ClinVar aggregate classification (germline): Benign/Likely benign. Review status: criteria provided, multiple submitters, no conflicts (2 of 4 stars). 15 submissions from 14 submitters: Benign (11); Likely benign (1). 3 of the submissions do not count toward it. Last evaluated 2026-01-26.

Conditions:
Autosomal dominant cerebellar ataxia. Also called: Spinocerebellar Ataxia, Dominant. Identifiers: Orphanet 99, MedGen C4087347, MONDO:0020380.
Inborn genetic diseases. Identifiers: MedGen C0950123, MeSH D030342.
Charcot-Marie-Tooth disease. Also called: Charcot-Marie-Tooth Neuropathy; Charcot-Marie-Tooth Hereditary Neuropathy. Identifiers: Orphanet 166, MedGen C0007959, MONDO:0015626.
Autosomal dominant childhood-onset proximal spinal muscular atrophy without contractures. Also called: Spinal muscular atrophy, lower extremity-predominant 1, AD; SPINAL MUSCULAR ATROPHY, CHILDHOOD, PROXIMAL, AUTOSOMAL DOMINANT; KUGELBERG-WELANDER SYNDROME, AUTOSOMAL DOMINANT; SPINAL MUSCULAR ATROPHY, JUVENILE, PROXIMAL, AUTOSOMAL DOMINANT. Identifiers: Orphanet 209341, Orphanet 363447, MedGen C5780022, MONDO:0008026, OMIM 158600.
Cortical dysplasia, complex, with other brain malformations 13. Also called: Intellectual disability, autosomal dominant 13. Identifiers: MedGen C3281202, MONDO:0013805, OMIM 614563.
Charcot-Marie-Tooth disease axonal type 2O. Also called: CHARCOT-MARIE-TOOTH NEUROPATHY, AXONAL, TYPE 2O; CHARCOT-MARIE-TOOTH DISEASE, AXONAL, AUTOSOMAL DOMINANT, TYPE 2O; Charcot-Marie-Tooth Neuropathy Type 2O; Charcot-Marie-Tooth disease, axonal, type 20. Identifiers: Orphanet 284232, MedGen C3280220, MONDO:0013644, OMIM 614228.

Allele frequency attached by ClinVar (database versions not stated): gnomAD exomes 0.00081 and 0.00242; ExAC 0.00307; 1000 Genomes Project 30x 0.00859; 1000 Genomes Project 0.00879; gnomAD 0.00892 and 0.00956; TOPMed 0.00991; ESP Exome Variant Server 0.01030.
gnomAD v4.1: 2,575 of 1,614,210 alleles (0.16%); highest among the groups gnomAD compares: African/African-American, 3%; 43 homozygotes.

Submissions (15):

Labcorp Genetics (formerly Invitae), Labcorp
Classification: Benign for Charcot-Marie-Tooth disease axonal type 2O. Last evaluated: 2026-01-26. Review status: criteria provided, single submitter. Criteria: Invitae Variant Classification Sherloc (09022015). Collection method: clinical testing. Allele origin: germline.

ARUP Laboratories, Molecular Genetics and Genomics, ARUP Laboratories
Classification: Benign. Last evaluated: 2025-05-22. Review status: criteria provided, single submitter. Criteria: ARUP Molecular Germline Variant Investigation Process 2024. Collection method: clinical testing. Allele origin: germline.

Mayo Clinic Laboratories, Mayo Clinic
Classification: Benign. Last evaluated: 2023-07-18. Review status: criteria provided, single submitter. Criteria: ACMG Guidelines, 2015. Collection method: clinical testing. Allele origin: germline. Observed: 7 variant alleles.

Fulgent Genetics
Classification: Likely benign for Autosomal dominant childhood-onset proximal spinal muscular atrophy without contractures; Charcot-Marie-Tooth disease axonal type 2O; Cortical dysplasia, complex, with other brain malformations 13. Last evaluated: 2021-08-06. Review status: criteria provided, single submitter. Criteria: ACMG Guidelines, 2015. Collection method: clinical testing. Allele origin: unknown.

Athena Diagnostics
Classification: Benign. Last evaluated: 2020-10-16. Review status: criteria provided, single submitter. Criteria: Athena Diagnostics criteria. Collection method: clinical testing. Allele origin: unknown.

Illumina Laboratory Services, Illumina
Classification: Benign for Charcot-Marie-Tooth disease axonal type 2O. Last evaluated: 2018-01-13. Review status: criteria provided, single submitter. Criteria: ICSL Variant Classification Criteria 13 December 2019. Collection method: clinical testing. Allele origin: germline.
Comment: This variant was observed in the ICSL laboratory as part of a predisposition screen in an ostensibly healthy population. It had not been previously curated by ICSL or reported in the Human Gene Mutation Database (HGMD: prior to June 1st, 2018), and was therefore a candidate for classification through an automated scoring system. Utilizing variant allele frequency, disease prevalence and penetrance estimates, and inheritance mode, an automated score was calculated to assess if this variant is too frequent to cause the disease. Based on the score and internal cut-off values, a variant classified as benign is not then subjected to further curation. The score for this variant resulted in a classification of benign for this disease.

Illumina Laboratory Services, Illumina
Classification: Benign for Spinocerebellar Ataxia, Dominant. Last evaluated: 2018-01-13. Review status: criteria provided, single submitter. Criteria: ICSL Variant Classification Criteria 13 December 2019. Collection method: clinical testing. Allele origin: germline.
Comment: the same text as in the submission from Illumina Laboratory Services, Illumina above.

Ambry Genetics
Classification: Benign for Inborn genetic diseases. Last evaluated: 2016-07-11. Review status: criteria provided, single submitter. Criteria: Ambry Variant Classification Scheme 2023. Collection method: clinical testing. Allele origin: germline.

GeneDx
Classification: Benign. Last evaluated: 2016-01-27. Review status: criteria provided, single submitter. Criteria: GeneDx Variant Classification (06012015). Collection method: clinical testing. Allele origin: germline. Affected: yes.
Comment: This variant is considered likely benign or benign based on one or more of the following criteria: it is a conservative change, it occurs at a poorly conserved position in the protein, it is predicted to be benign by multiple in silico algorithms, and/or has population frequency not consistent with disease.

Breakthrough Genomics
Classification: Benign. Review status: criteria provided, single submitter. Criteria: ACMG Guidelines, 2015. Collection method: not provided. Allele origin: germline. Inheritance: Autosomal dominant inheritance. Affected: yes.

Molecular Genetics Laboratory, London Health Sciences Centre
Classification: Benign for Charcot-Marie-Tooth disease. Review status: criteria provided, single submitter. Criteria: ACMG Guidelines, 2015. Collection method: clinical testing. Allele origin: germline. Affected: yes.

PreventionGenetics, part of Exact Sciences
Classification: Benign. Review status: criteria provided, single submitter. Criteria: ACMG Guidelines, 2015. Collection method: clinical testing. Allele origin: germline.

Clinical Genetics DNA and cytogenetics Diagnostics Lab, Erasmus MC, Erasmus Medical Center
Classification: Likely benign. Review status: no assertion criteria provided. Collection method: clinical testing. Allele origin: germline. Affected: yes. Study: VKGL Data-share Consensus. Not counted in ClinVar's aggregate classification.

Clinical Genetics, Academic Medical Center
Classification: Benign. Review status: no assertion criteria provided. Collection method: clinical testing. Allele origin: germline. Affected: yes. Study: VKGL Data-share Consensus. Not counted in ClinVar's aggregate classification.

Genetic Services Laboratory, University of Chicago
Classification: Likely benign for AllHighlyPenetrant. Review status: no assertion criteria provided. Collection method: clinical testing. Allele origin: germline. Inheritance: Autosomal dominant inheritance. Not counted in ClinVar's aggregate classification.
Comment: Likely benign based on allele frequency in 1000 Genomes Project or ESP global frequency and its presence in a patient with a rare or unrelated disease phenotype. NOT Sanger confirmed.